The following is an entry in ClinVar:

ClinVar aggregate classification (germline): Uncertain significance (1 of 4 stars; one submission).

Conditions:
NRP1-related disorder. Also called: NRP1-related condition.

gnomAD v4.1: 18 of 1,614,098 alleles (0.0011%); highest among the groups gnomAD compares: Admixed American, 0.01%; no homozygotes.

Submission:

PreventionGenetics, part of Exact Sciences
Classification: Uncertain significance for NRP1-related condition. Last evaluated: 2025-01-06. Review status: criteria provided, single submitter. Criteria: ACMG Guidelines, 2015. Collection method: clinical testing. Allele origin: germline.
Comment: The NRP1 c.1809T>G variant is predicted to result in the amino acid substitution p.Cys603Trp. To our knowledge, this variant has not been reported in the literature. This variant is reported in 0.0085% of alleles in individuals of Latino descent in gnomAD. At this time, the clinical significance of this variant is uncertain due to the absence of conclusive functional and genetic evidence.

NM_003873.7(NRP1):c.1809T>G (p.Cys603Trp)

Gene: NRP1 (neuropilin 1; minus strand). Cytogenetic location: 10p11.22.
Variant type: single nucleotide variant.
Coding change: c.1809T>G on transcript NM_003873.7 (MANE Select); coding-DNA position 1809, T replaced by G.
Protein change: p.Cys603Trp; replaces cysteine 603 with tryptophan.
Molecular consequence: missense variant. On other transcripts: non-coding transcript variant (1), intron variant (1).
Genome position (GRCh38, 1-based): chr10:33,202,946, A>C on the plus strand (T>G on the coding strand, the complement: NRP1 is on the minus strand). VCF-style: chr10-33202946-A-C. GRCh37 (hg19) VCF-style: chr10-33491874-A-C.
Other names: c.1809T>G, p.Cys603Trp (NM_001024628.3, NM_001244972.2, NM_001244973.2 and 1 more transcripts); c.1759+4626T>G (NM_001024629.3); short protein forms C603W.
Identifiers: ClinVar variation 3355151 (VCV003355151.2).
Genomic context (GRCh38, chr10:33,202,946, plus strand): 5'-TGCACCTGTGAGCTGGAAGTCATCACCTGTTCCACTGTGGCAGTTGGCCTGGTCGTCATC[A>C]CATTCATCCACCAAGTTCCCGTTGGGAGTGGTCGGTCCAGCTGTAGGGGCTGAAACAAGA-3'
Protein context (NP_003864.5, residues 593-613): TTPNGNLVDE[Cys603Trp]DDDQANCHSG